The following is an entry in ClinVar:

ClinVar aggregate classification (germline): Uncertain significance. Review status: criteria provided, multiple submitters, no conflicts (2 of 4 stars). 2 submissions from 2 submitters: Uncertain significance (2). Last evaluated 2026-02-18.

Conditions:
PRDM13-related disorder. Also called: PRDM13-related condition.

Allele frequency attached by ClinVar (database versions not stated): ExAC 0.00001; TOPMed 0.00002; gnomAD 0.00003.
gnomAD v4.1: 5 of 1,613,498 alleles (0.00031%); highest among the groups gnomAD compares: African/African-American, 0.0027%; no homozygotes.

Submissions (2):

PreventionGenetics, part of Exact Sciences
Classification: Uncertain significance for PRDM13-related condition. Last evaluated: 2026-02-18. Review status: criteria provided, single submitter. Criteria: ACMG Guidelines, 2015. Collection method: clinical testing. Allele origin: germline.
Comment: The PRDM13 c.400G>A variant is predicted to result in the amino acid substitution p.Glu134Lys. To our knowledge, this variant has not been reported in the literature. This variant is present in 0.0065% of alleles in individuals of African descent in gnomAD. At this time, the clinical significance of this variant is uncertain due to the absence of conclusive functional and genetic evidence.

Labcorp Genetics (formerly Invitae), Labcorp
Classification: Uncertain significance. Last evaluated: 2026-01-30. Review status: criteria provided, single submitter. Criteria: Invitae Variant Classification Sherloc (09022015). Collection method: clinical testing. Allele origin: germline.
Comment: This sequence change replaces glutamic acid, which is acidic and polar, with lysine, which is basic and polar, at codon 134 of the PRDM13 protein (p.Glu134Lys). This variant is present in population databases (rs202002402, gnomAD 0.007%). This variant has not been reported in the literature in individuals affected with PRDM13-related conditions. ClinVar contains an entry for this variant (Variation ID: 1515922). An algorithm developed to predict the effect of missense changes on protein structure and function (PolyPhen-2) suggests that this variant is likely to be disruptive. In summary, the available evidence is currently insufficient to determine the role of this variant in disease. Therefore, it has been classified as a Variant of Uncertain Significance.

NM_021620.4(PRDM13):c.400G>A (p.Glu134Lys)

Gene: PRDM13 (PR/SET domain 13; plus strand). Cytogenetic location: 6q16.2.
Variant type: single nucleotide variant.
Coding change: c.400G>A on transcript NM_021620.4 (MANE Select); coding-DNA position 400, G replaced by A.
Protein change: p.Glu134Lys; replaces glutamic acid 134 with lysine.
Molecular consequence: missense variant.
Genome position (GRCh38, 1-based): chr6:99,613,035, G>A. VCF-style: chr6-99613035-G-A. GRCh37 (hg19) VCF-style: chr6-100060911-G-A.
Other names: c.400G>A (NM_021620.3); short protein forms E134K.
Identifiers: ClinVar variation 1515922 (VCV001515922.7), dbSNP rs202002402, ClinGen allele CA3936208.
Genomic context (GRCh38, chr6:99,613,035, plus strand): 5'-CTTTATGTCTCGCTTGTTCGCCTCTCACCGGGTCGCTTTTCCATTCTTTCTTGCCCAGGG[G>A]AGGAGCGCTACATCTGCTGGTACTGCTGGAGGACGTTTAGATACCCCAACAGCCTTAAGG-3'
Protein context (NP_067633.2, residues 124-144): TATPTHDEKG[Glu134Lys]ERYICWYCWR